The following is an entry in ClinVar:

ClinVar aggregate classification (germline): Likely benign. Review status: criteria provided, multiple submitters, no conflicts (2 of 4 stars). 3 submissions from 3 submitters: Likely benign (3). Last evaluated 2025-09-01.

Allele frequency attached by ClinVar (database versions not stated): gnomAD exomes 0.00003; ExAC 0.00004; gnomAD 0.00006; TOPMed 0.00014.
gnomAD v4.1: 59 of 1,614,072 alleles (0.0037%); highest among the groups gnomAD compares: Admixed American, 0.012%; no homozygotes.

Submissions (3):

CeGaT Center for Human Genetics Tuebingen
Classification: Likely benign. Last evaluated: 2025-09-01. Review status: criteria provided, single submitter. Criteria: CeGaT Center For Human Genetics Tuebingen Variant Classification Criteria Version 2. Collection method: clinical testing. Allele origin: germline. Affected: yes. Observed: 1 variant allele.
Comment: REST: BP4, BP7

Labcorp Genetics (formerly Invitae), Labcorp
Classification: Likely benign. Last evaluated: 2024-07-30. Review status: criteria provided, single submitter. Criteria: Invitae Variant Classification Sherloc (09022015). Collection method: clinical testing. Allele origin: germline.

Blueprint Genetics
Classification: Likely benign. Last evaluated: 2024-04-10. Review status: criteria provided, single submitter. Criteria: ACMG Guidelines, 2015. Collection method: clinical testing. Allele origin: germline.

NM_005612.5(REST):c.171A>G (p.Glu57=)

Gene: REST (RE1 silencing transcription factor; plus strand). Cytogenetic location: 4q12.
Variant type: single nucleotide variant.
Coding change: c.171A>G on transcript NM_005612.5 (MANE Select); coding-DNA position 171, A replaced by G.
Protein change: p.Glu57=; no amino-acid change (glutamic acid 57 retained).
Molecular consequence: synonymous variant.
Genome position (GRCh38, 1-based): chr4:56,910,809, A>G. VCF-style: chr4-56910809-A-G. GRCh37 (hg19) VCF-style: chr4-57776975-A-G.
Other names: c.171A>G, p.Glu57= (NM_001193508.2, NM_001363453.3).
Identifiers: ClinVar variation 2169551 (VCV002169551.12), dbSNP rs763866440, ClinGen allele CA2932047.
Genomic context (GRCh38, chr4:56,910,809, plus strand): 5'-CAAAGCTGAACTGGCCGCACCTCAGCTTATTATGCTGGCAAATGTGGCCTTAACTGGGGA[A>G]GTAAATGGCAGCTGCTGTGATTACCTGGTCGGTGAAGAAAGACAGATGGCAGAACTGATG-3'
Protein context (NP_005603.3, residues 47-67): IMLANVALTG[Glu57=]VNGSCCDYLV